The following is an entry in ClinVar:

ClinVar aggregate classification (germline): Uncertain significance. Review status: criteria provided, multiple submitters, no conflicts (2 of 4 stars). 3 submissions from 3 submitters: Uncertain significance (3). Last evaluated 2025-11-16.

Conditions:
Catecholaminergic polymorphic ventricular tachycardia (CVPT). Also called: Catecholamine-induced polymorphic ventricular tachycardia. Identifiers: Orphanet 3286, MedGen C5574922, MONDO:0017990.
Cardiomyopathy (CMYO). Also called: Cardiomyopathies. Identifiers: Orphanet 167848, MedGen C0878544, MONDO:0004994, HP:0001638. Inheritance: Various modes of inheritance.
Catecholaminergic polymorphic ventricular tachycardia 1. Also called: RYR2-Related Catecholaminergic Polymorphic Ventricular Tachycardia; VENTRICULAR TACHYCARDIA, STRESS-INDUCED POLYMORPHIC 1; VENTRICULAR TACHYCARDIA, CATECHOLAMINERGIC POLYMORPHIC, 1, WITH OR WITHOUT ATRIAL DYSFUNCTION AND/OR DILATED CARDIOMYOPATHY. Identifiers: Orphanet 3286, MedGen C1631597, MONDO:0011484, OMIM 604772.

Allele frequency attached by ClinVar (database versions not stated): ExAC 0.00001; gnomAD exomes 0.00001.
gnomAD v4.1: 5 of 1,613,806 alleles (0.00031%); highest among the groups gnomAD compares: Admixed American, 0.0083%; no homozygotes.

Submissions (3):

Labcorp Genetics (formerly Invitae), Labcorp
Classification: Uncertain significance for Catecholaminergic polymorphic ventricular tachycardia 1. Last evaluated: 2025-11-16. Review status: criteria provided, single submitter. Criteria: Invitae Variant Classification Sherloc (09022015). Collection method: clinical testing. Allele origin: germline.
Comment: This sequence change replaces glycine, which is neutral and non-polar, with aspartic acid, which is acidic and polar, at codon 357 of the RYR2 protein (p.Gly357Asp). This variant is present in population databases (rs762480374, gnomAD 0.009%). This variant has not been reported in the literature in individuals affected with RYR2-related conditions. ClinVar contains an entry for this variant (Variation ID: 2037310). Invitae Evidence Modeling of protein sequence and biophysical properties (such as structural, functional, and spatial information, amino acid conservation, physicochemical variation, residue mobility, and thermodynamic stability) has been performed for this missense variant. However, the output from this modeling did not meet the statistical confidence thresholds required to predict the impact of this variant on RYR2 protein function. This variant disrupts the p.Gly357 amino acid residue in RYR2. Other variant(s) that disrupt this residue have been determined to be pathogenic (PMID: 22068070, 25814417; internal data). This suggests that this residue is clinically significant, and that variants that disrupt this residue are likely to be disease-causing. In summary, the available evidence is currently insufficient to determine the role of this variant in disease. Therefore, it has been classified as a Variant of Uncertain Significance.

Color Diagnostics, LLC DBA Color Health
Classification: Uncertain significance for Cardiomyopathy. Last evaluated: 2025-05-27. Review status: criteria provided, single submitter. Criteria: ACMG Guidelines, 2015. Collection method: clinical testing. Allele origin: germline.
Comment: This missense variant replaces glycine with aspartic acid at codon 357 of the RYR2 protein. Computational prediction suggests that this variant may have deleterious impact on protein structure and function. To our knowledge, functional studies have not been reported for this variant. A different missense variant occurring at the same codon, p.Gly357Ser, is known to be pathogenic (Clinvar variation ID 519533), indicating that glycine at this position is important for RYR2 protein function. This p.Gly357Asp variant has not been reported in individuals affected with RYR2-related disorders in the literature. This variant has been identified in 4/248800 chromosomes in the general population by the Genome Aggregation Database (gnomAD) and has been observed in an elevated frequency in the Latino population (4/34516 chromosomes0.012%) . The available evidence is insufficient to determine the role of this variant in disease conclusively. Therefore, this variant is classified as a Variant of Uncertain Significance.

All of Us Research Program, National Institutes of Health
Classification: Uncertain significance for Catecholaminergic polymorphic ventricular tachycardia. Last evaluated: 2023-04-03. Review status: criteria provided, single submitter. Criteria: ACMG Guidelines, 2015. Collection method: clinical testing. Allele origin: germline. Inheritance: Autosomal dominant inheritance. Observed: 1 variant allele, 1 heterozygote.
Comment: This missense variant replaces glycine with aspartic acid at codon 357 of the RYR2 protein. Computational prediction suggests that this variant may have deleterious impact on protein structure and function (internally defined REVEL score threshold >= 0.7, PMID: 27666373). To our knowledge, functional studies have not been reported for this variant. This variant has been incidentally identified in an individual from a cohort of clinical whole-exome genetic test referrals (PMID: 28404607). This variant has been identified in 4/248800 chromosomes in the general population by the Genome Aggregation Database (gnomAD). A different missense variant occurring at the same codon, p.Gly357Ser, is known to be pathogenic (Clinvar variation ID 519533), indicating that glycine at this position is important for RYR2 protein function. The available evidence is insufficient to determine the role of this variant in disease conclusively. Therefore, this variant is classified as a Variant of Uncertain Significance.

This study involves interpretation of variants in research participants for the purpose of population health screening. Participant phenotype was not available at the time of variant classification. Additional details can be found in publication PMID: 35346344, PMCID: PMC8962531

Literature cited by the submitters: PubMed 22068070 (cited by Labcorp Genetics (formerly Invitae), Labcorp); PubMed 25814417 (cited by Labcorp Genetics (formerly Invitae), Labcorp); PubMed 28404607 (cited by All of Us Research Program, National Institutes of Health).

NM_001035.3(RYR2):c.1070G>A (p.Gly357Asp)

Gene: RYR2 (ryanodine receptor 2; plus strand). Cytogenetic location: 1q43.
Variant type: single nucleotide variant.
Coding change: c.1070G>A on transcript NM_001035.3 (MANE Select); coding-DNA position 1070, G replaced by A.
Protein change: p.Gly357Asp; replaces glycine 357 with aspartic acid.
Molecular consequence: missense variant.
Genome position (GRCh38, 1-based): chr1:237,441,383, G>A. VCF-style: chr1-237441383-G-A. GRCh37 (hg19) VCF-style: chr1-237604683-G-A.
Other names: short protein forms G357D.
Identifiers: ClinVar variation 2037310 (VCV002037310.4), dbSNP rs762480374, ClinGen allele CA084481.